The following is an entry in ClinVar:

NM_004252.5(NHERF1):c.1035G>A (p.Gln345=)

Gene: NHERF1 (NHERF family PDZ scaffold protein 1; plus strand). Cytogenetic location: 17q25.1.
Variant type: single nucleotide variant.
Coding change: c.1035G>A on transcript NM_004252.5 (MANE Select); coding-DNA position 1035, G replaced by A.
Protein change: p.Gln345=; no amino-acid change (glutamine 345 retained).
Molecular consequence: synonymous variant.
Genome position (GRCh38, 1-based): chr17:74,768,614, G>A. VCF-style: chr17-74768614-G-A. GRCh37 (hg19) VCF-style: chr17-72764753-G-A.
Other names: c.1035G>A (NM_004252.4).
Identifiers: ClinVar variation 3672904 (VCV003672904.3).
Genomic context (GRCh38, chr17:74,768,614, plus strand): 5'-CTCCCTGGCCATGGCCAAAGAGAGGGCCCACCAGAAACGCAGCAGCAAACGGGCCCCGCA[G>A]ATGGACTGGAGCAAGAAAAACGAACTCTTCAGCAACCTCTGAGCGCCCTGCTGCCACCCA-3'
Protein context (NP_004243.1, residues 335-355): HQKRSSKRAP[Gln345=]MDWSKKNELF

ClinVar aggregate classification (germline): Likely benign. Review status: criteria provided, multiple submitters, no conflicts (2 of 4 stars). 2 submissions from 2 submitters: Likely benign (2). Last evaluated 2024-10-16.

Conditions:
NHERF1-related disorder. Also called: NHERF1-related condition.

gnomAD v4.1: 284 of 1,614,150 alleles (0.018%); highest among the groups gnomAD compares: Non-Finnish European, 0.023%; no homozygotes.

Submissions (2):

PreventionGenetics, part of Exact Sciences
Classification: Likely benign for NHERF1-related condition. Last evaluated: 2024-10-16. Review status: criteria provided, single submitter. Criteria: ACMG Guidelines, 2015. Collection method: clinical testing. Allele origin: germline.
Comment: This variant is classified as likely benign based on ACMG/AMP sequence variant interpretation guidelines (Richards et al. 2015 PMID: 25741868, with internal and published modifications).

Labcorp Genetics (formerly Invitae), Labcorp
Classification: Likely benign. Last evaluated: 2024-05-28. Review status: criteria provided, single submitter. Criteria: Invitae Variant Classification Sherloc (09022015). Collection method: clinical testing. Allele origin: germline.